The following is an entry in ClinVar:

NM_201384.3(PLEC):c.12199T>C (p.Tyr4067His)

Gene: PLEC (plectin; minus strand). Cytogenetic location: 8q24.3.
Variant type: single nucleotide variant.
Coding change: c.12199T>C on transcript NM_201384.3 (MANE Select); coding-DNA position 12199, T replaced by C.
Protein change: p.Tyr4067His; replaces tyrosine 4067 with histidine.
Molecular consequence: missense variant.
Genome position (GRCh38, 1-based): chr8:143,917,622, A>G on the plus strand (T>C on the coding strand, the complement: PLEC is on the minus strand). VCF-style: chr8-143917622-A-G. GRCh37 (hg19) VCF-style: chr8-144991790-A-G.
Other names: c.12280T>C, p.Tyr4094His (NM_000445.5); c.8899T>C, p.Tyr2967His (NM_001410941.1); c.12157T>C, p.Tyr4053His (NM_201378.4); c.12133T>C, p.Tyr4045His (NM_201379.3); c.12610T>C, p.Tyr4204His (NM_201380.4); c.12103T>C, p.Tyr4035His (NM_201381.3); c.12199T>C, p.Tyr4067His (NM_201382.4); c.12211T>C, p.Tyr4071His (NM_201383.3); short protein forms Y2967H, Y4071H, Y4035H, Y4045H, Y4094H, Y4204H, Y4053H, Y4067H.
Identifiers: ClinVar variation 2939999 (VCV002939999.3), dbSNP rs2539241438, ClinGen allele CA372485344.

ClinVar aggregate classification (germline): Uncertain significance (1 of 4 stars; one submission).

Conditions:
Epidermolysis bullosa simplex with nail dystrophy (EBS5D). Identifiers: MedGen C4225309, MONDO:0014661, OMIM 616487.
Epidermolysis bullosa simplex, Ogna type (EBS5A). Also called: Pidermolysis bullosa simplex 5A, Ogna type; EPIDERMOLYSIS BULLOSA SIMPLEX 5A, OGNA TYPE. Identifiers: Orphanet 79401, MedGen C0432317, MONDO:0007555, OMIM 131950.
Autosomal recessive limb-girdle muscular dystrophy type 2Q (LGMDR17). Also called: MUSCULAR DYSTROPHY, LIMB-GIRDLE, AUTOSOMAL RECESSIVE 17. Identifiers: Orphanet 254361, MedGen C3150989, MONDO:0013390, OMIM 613723.
Epidermolysis bullosa simplex 5B, with muscular dystrophy (EBS5B). Also called: EPIDERMOLYSIS BULLOSA SIMPLEX AND LIMB-GIRDLE MUSCULAR DYSTROPHY; Epidermolysis bullosa simplex with muscular dystrophy. Identifiers: Orphanet 257, MedGen C2931072, MONDO:0009181, OMIM 226670.
Epidermolysis bullosa simplex 5C, with pyloric atresia (EBS5C). Also called: PLEC-Related Epidermolysis Bullosa with Pyloric Atresia; Epidermolysis bullosa simplex with pyloric atresia; PLEC1-Related Epidermolysis Bullosa with Pyloric Atresia. Identifiers: Orphanet 158684, MedGen C2677349, MONDO:0012807, OMIM 612138.

Submission:

Labcorp Genetics (formerly Invitae), Labcorp
Classification: Uncertain significance for Autosomal recessive limb-girdle muscular dystrophy type 2Q; Epidermolysis bullosa simplex, Ogna type; Epidermolysis bullosa simplex with nail dystrophy; Epidermolysis bullosa simplex 5C, with pyloric atresia; Epidermolysis bullosa simplex 5B, with muscular dystrophy. Last evaluated: 2023-02-03. Review status: criteria provided, single submitter. Criteria: Invitae Variant Classification Sherloc (09022015). Collection method: clinical testing. Allele origin: germline.
Comment: This variant is not present in population databases (gnomAD no frequency). This variant has not been reported in the literature in individuals affected with PLEC-related conditions. Advanced modeling of protein sequence and biophysical properties (such as structural, functional, and spatial information, amino acid conservation, physicochemical variation, residue mobility, and thermodynamic stability) performed at Invitae indicates that this missense variant is not expected to disrupt PLEC protein function. In summary, the available evidence is currently insufficient to determine the role of this variant in disease. Therefore, it has been classified as a Variant of Uncertain Significance. This sequence change replaces tyrosine, which is neutral and polar, with histidine, which is basic and polar, at codon 4094 of the PLEC protein (p.Tyr4094His).